The following is an entry in ClinVar:

NM_002641.4(PIGA):c.908A>C (p.His303Pro)

Gene: PIGA (phosphatidylinositol glycan anchor biosynthesis class A; minus strand). Cytogenetic location: Xp22.2.
Variant type: single nucleotide variant.
Coding change: c.908A>C on transcript NM_002641.4 (MANE Select); coding-DNA position 908, A replaced by C.
Protein change: p.His303Pro; replaces histidine 303 with proline.
Molecular consequence: missense variant. On other transcripts: non-coding transcript variant (2).
Genome position (GRCh38, 1-based): chrX:15,325,093, T>G on the plus strand (A>C on the coding strand, the complement: PIGA is on the minus strand). VCF-style: chrX-15325093-T-G. GRCh37 (hg19) VCF-style: chrX-15343215-T-G.
Other names: c.206A>C, p.His69Pro (NM_020473.3); short protein forms H69P, H303P.
Identifiers: ClinVar variation 655263 (VCV000655263.9), dbSNP rs139991272, ClinGen allele CA412336592.

ClinVar aggregate classification (germline): Uncertain significance (1 of 4 stars; one submission).

Conditions:
Multiple congenital anomalies-hypotonia-seizures syndrome 2 (MCAHS2). Also called: GLYCOSYLPHOSPHATIDYLINOSITOL BIOSYNTHESIS DEFECT 4; EPILEPTIC ENCEPHALOPATHY, EARLY INFANTILE, 20. Identifiers: Orphanet 300496, MedGen C3275508, MONDO:0010466, OMIM 300868.

Allele frequency attached by ClinVar (database versions not stated): gnomAD 0.00005.

Submission:

Labcorp Genetics (formerly Invitae), Labcorp
Classification: Uncertain significance for Multiple congenital anomalies-hypotonia-seizures syndrome 2. Last evaluated: 2020-03-14. Review status: criteria provided, single submitter. Criteria: Invitae Variant Classification Sherloc (09022015). Collection method: clinical testing. Allele origin: germline.
Comment: This sequence change replaces histidine with proline at codon 303 of the PIGA protein (p.His303Pro). The histidine residue is moderately conserved and there is a moderate physicochemical difference between histidine and proline. This variant is not present in population databases (ExAC no frequency). This variant has not been reported in the literature in individuals with PIGA-related disease. ClinVar has an entry for this variant (Variation ID: 655263). Algorithms developed to predict the effect of missense changes on protein structure and function are either unavailable or do not agree on the potential impact of this missense change (SIFT: "Tolerated"; PolyPhen-2: "Probably Damaging"; Align-GVGD: "Class C0"). In summary, the available evidence is currently insufficient to determine the role of this variant in disease. Therefore, it has been classified as a Variant of Uncertain Significance.